The following is an entry in ClinVar:

ClinVar aggregate classification (germline): Uncertain significance. Review status: criteria provided, multiple submitters, no conflicts (2 of 4 stars). 2 submissions from 2 submitters: Uncertain significance (2). Last evaluated 2024-05-23.

Conditions:
Hereditary cancer-predisposing syndrome. Also called: Neoplastic Syndromes, Hereditary; Hereditary neoplastic syndrome; Tumor predisposition; Hereditary Cancer Syndrome. Identifiers: Orphanet 140162, MedGen C0027672, MeSH D009386, MONDO:0015356.
Cardiovascular phenotype. Identifiers: MedGen CN230736.
Neurofibromatosis, type 1 (NF1). Also called: Peripheral type neurofibromatosis; VON RECKLINGHAUSEN DISEASE; Neurofibromatosis, type I; NEUROFIBROMATOSIS, TYPE I, SOMATIC. Identifiers: Orphanet 636, MedGen C0027831, MONDO:0018975, OMIM 162200. Disease mechanism: loss of function.

Allele frequency attached by ClinVar (database versions not stated): gnomAD exomes below 0.00001.
gnomAD v4.1: 2 of 1,614,050 alleles (0.00012%); highest among the groups gnomAD compares: African/African-American, 0.0013%; no homozygotes.

Submissions (2):

Labcorp Genetics (formerly Invitae), Labcorp
Classification: Uncertain significance for Neurofibromatosis, type 1. Last evaluated: 2024-05-23. Review status: criteria provided, single submitter. Criteria: Invitae Variant Classification Sherloc (09022015). Collection method: clinical testing. Allele origin: germline.
Comment: This sequence change replaces lysine, which is basic and polar, with glutamine, which is neutral and polar, at codon 1131 of the NF1 protein (p.Lys1131Gln). This variant is not present in population databases (gnomAD no frequency). This variant has not been reported in the literature in individuals affected with NF1-related conditions. ClinVar contains an entry for this variant (Variation ID: 844067). Advanced modeling of protein sequence and biophysical properties (such as structural, functional, and spatial information, amino acid conservation, physicochemical variation, residue mobility, and thermodynamic stability) has been performed at Invitae for this missense variant, however the output from this modeling did not meet the statistical confidence thresholds required to predict the impact of this variant on NF1 protein function. In summary, the available evidence is currently insufficient to determine the role of this variant in disease. Therefore, it has been classified as a Variant of Uncertain Significance.

Ambry Genetics
Classification: Uncertain significance for Cardiovascular phenotype; Hereditary cancer-predisposing syndrome. Last evaluated: 2022-12-15. Review status: criteria provided, single submitter. Criteria: Ambry Variant Classification Scheme 2023. Collection method: clinical testing. Allele origin: germline.
Comment: The p.K1131Q variant (also known as c.3391A>C), located in coding exon 26 of the NF1 gene, results from an A to C substitution at nucleotide position 3391. The lysine at codon 1131 is replaced by glutamine, an amino acid with similar properties. This amino acid position is conserved. In addition, this alteration is predicted to be tolerated by in silico analysis. Since supporting evidence is limited at this time, the clinical significance of this alteration remains unclear.

NM_001042492.3(NF1):c.3391A>C (p.Lys1131Gln)

Gene: NF1 (neurofibromin 1; plus strand). Cytogenetic location: 17q11.2.
Variant type: single nucleotide variant.
Coding change: c.3391A>C on transcript NM_001042492.3 (MANE Select); coding-DNA position 3391, A replaced by C.
Protein change: p.Lys1131Gln; replaces lysine 1131 with glutamine.
Molecular consequence: missense variant.
Genome position (GRCh38, 1-based): chr17:31,232,776, A>C. VCF-style: chr17-31232776-A-C. GRCh37 (hg19) VCF-style: chr17-29559794-A-C.
Other names: c.3391A>C, p.Lys1131Gln (NM_000267.4); short protein forms K1131Q.
Identifiers: ClinVar variation 844067 (VCV000844067.8), dbSNP rs2067135932, ClinGen allele CA398989130.